The following is an entry in ClinVar:

ClinVar aggregate classification (germline): Benign/Likely benign. Review status: criteria provided, multiple submitters, no conflicts (2 of 4 stars). 9 submissions from 8 submitters: Benign (5); Likely benign (2). 2 of the submissions do not count toward it. Last evaluated 2026-01-21.

Conditions:
Alzheimer disease 4 (AD4). Identifiers: Orphanet 1020, MedGen C1847200, MONDO:0011743, OMIM 606889.
Dilated cardiomyopathy 1V (CMD1V). Identifiers: Orphanet 154, MedGen C3150958, MONDO:0013373, OMIM 613697.

Allele frequency attached by ClinVar (database versions not stated): ESP Exome Variant Server 0.00038; gnomAD 0.00436 and 0.00649; gnomAD exomes 0.00641 and 0.01729; TOPMed 0.00801; ExAC 0.01606; 1000 Genomes Project 30x 0.02904; 1000 Genomes Project 0.02915.
gnomAD v4.1: 10,446 of 1,613,914 alleles (0.65%); highest among the groups gnomAD compares: East Asian, 7.7%; 327 homozygotes.

Submissions (9):

Labcorp Genetics (formerly Invitae), Labcorp
Classification: Benign for Alzheimer disease 4. Last evaluated: 2026-01-21. Review status: criteria provided, single submitter. Criteria: Invitae Variant Classification Sherloc (09022015). Collection method: clinical testing. Allele origin: germline.

Athena Diagnostics
Classification: Benign. Last evaluated: 2024-08-02. Review status: criteria provided, single submitter. Criteria: Athena Diagnostics Criteria. Collection method: clinical testing. Allele origin: unknown.

Mayo Clinic Laboratories, Mayo Clinic
Classification: Benign. Last evaluated: 2023-03-16. Review status: criteria provided, single submitter. Criteria: ACMG Guidelines, 2015. Collection method: clinical testing. Allele origin: germline. Observed: 14 variant alleles.
Comment: BA1, BP4, BP7

GeneDx
Classification: Benign. Last evaluated: 2020-02-29. Review status: criteria provided, single submitter. Criteria: GeneDx Variant Classification Process June 2021. Collection method: clinical testing. Allele origin: germline. Affected: yes.
Comment: This variant is associated with the following publications: (PMID: 31914229)

Illumina Laboratory Services, Illumina
Classification: Likely benign for Dilated cardiomyopathy 1V. Last evaluated: 2018-01-13. Review status: criteria provided, single submitter. Criteria: ICSL Variant Classification Criteria 13 December 2019. Collection method: clinical testing. Allele origin: germline.
Comment: This variant was observed in the ICSL laboratory as part of a predisposition screen in an ostensibly healthy population. It had not been previously curated by ICSL or reported in the Human Gene Mutation Database (HGMD: prior to June 1st, 2018), and was therefore a candidate for classification through an automated scoring system. Utilizing variant allele frequency, disease prevalence and penetrance estimates, and inheritance mode, an automated score was calculated to assess if this variant is too frequent to cause the disease. Based on the score and internal cut-off values, a variant classified as likely benign is not then subjected to further curation. The score for this variant resulted in a classification of likely benign for this disease.

Illumina Laboratory Services, Illumina
Classification: Benign for Alzheimer disease 4. Last evaluated: 2018-01-13. Review status: criteria provided, single submitter. Criteria: ICSL Variant Classification Criteria 13 December 2019. Collection method: clinical testing. Allele origin: germline.
Comment: This variant was observed in the ICSL laboratory as part of a predisposition screen in an ostensibly healthy population. It had not been previously curated by ICSL or reported in the Human Gene Mutation Database (HGMD: prior to June 1st, 2018), and was therefore a candidate for classification through an automated scoring system. Utilizing variant allele frequency, disease prevalence and penetrance estimates, and inheritance mode, an automated score was calculated to assess if this variant is too frequent to cause the disease. Based on the score and internal cut-off values, a variant classified as benign is not then subjected to further curation. The score for this variant resulted in a classification of benign for this disease.

Breakthrough Genomics
Classification: Likely benign. Review status: criteria provided, single submitter. Criteria: ACMG Guidelines, 2015. Collection method: not provided. Allele origin: germline. Inheritance: Autosomal dominant inheritance. Affected: yes.

Clinical Genetics DNA and cytogenetics Diagnostics Lab, Erasmus MC, Erasmus Medical Center
Classification: Likely benign. Review status: no assertion criteria provided. Collection method: clinical testing. Allele origin: germline. Affected: yes. Study: VKGL Data-share Consensus. Not counted in ClinVar's aggregate classification.

Genome Diagnostics Laboratory, Amsterdam University Medical Center
Classification: Likely benign. Review status: no assertion criteria provided. Collection method: clinical testing. Allele origin: germline. Affected: yes. Study: VKGL Data-share Consensus. Not counted in ClinVar's aggregate classification.

Literature cited by the submitters: PubMed 36217304 (cited by Athena Diagnostics); PubMed 35276586 (cited by Athena Diagnostics); PubMed 31914229 (cited by Mayo Clinic Laboratories, Mayo Clinic).

NM_000447.3(PSEN2):c.861C>T (p.Pro287=)

Gene: PSEN2 (presenilin 2; plus strand). Cytogenetic location: 1q42.13.
Variant type: single nucleotide variant.
Coding change: c.861C>T on transcript NM_000447.3 (MANE Select); coding-DNA position 861, C replaced by T.
Protein change: p.Pro287=; no amino-acid change (proline 287 retained).
Molecular consequence: synonymous variant.
Genome position (GRCh38, 1-based): chr1:226,890,108, C>T. VCF-style: chr1-226890108-C-T. GRCh37 (hg19) VCF-style: chr1-227077809-C-T.
Other names: p.Pro287=; c.861C>T, p.Pro287= (NM_012486.3).
Identifiers: ClinVar variation 295992 (VCV000295992.21), dbSNP rs75733498, ClinGen allele CA1424669.
Genomic context (GRCh38, chr1:226,890,108, plus strand): 5'-GCTGTGTCCCAAAGGGCCTCTGAGAATGCTGGTAGAAACTGCCCAGGAGAGAAATGAGCC[C>T]ATATTCCCTGCCCTGATATACTCATGTGAGTGAGCCCCCCGTGCCTCTGCCTGACTCGGG-3'
Protein context (NP_000438.2, residues 277-297): LVETAQERNE[Pro287=]IFPALIYSSA